The following is an entry in ClinVar:

ClinVar aggregate classification (germline): Uncertain significance (1 of 4 stars; one submission).

Conditions:
Noonan syndrome 9 (NS9). Identifiers: Orphanet 648, MedGen C4225282, MONDO:0014691, OMIM 616559.

gnomAD v4.1: 3 of 1,613,618 alleles (0.00019%); highest among the groups gnomAD compares: Admixed American, 0.0017%; no homozygotes.

Submission:

Labcorp Genetics (formerly Invitae), Labcorp
Classification: Uncertain significance for Noonan syndrome 9. Last evaluated: 2024-03-18. Review status: criteria provided, single submitter. Criteria: Invitae Variant Classification Sherloc (09022015). Collection method: clinical testing. Allele origin: germline.
Comment: This sequence change replaces threonine, which is neutral and polar, with proline, which is neutral and non-polar, at codon 1042 of the SOS2 protein (p.Thr1042Pro). This variant is not present in population databases (gnomAD no frequency). This variant has not been reported in the literature in individuals affected with SOS2-related conditions. Advanced modeling of protein sequence and biophysical properties (such as structural, functional, and spatial information, amino acid conservation, physicochemical variation, residue mobility, and thermodynamic stability) performed at Invitae indicates that this missense variant is not expected to disrupt SOS2 protein function with a negative predictive value of 95%. In summary, the available evidence is currently insufficient to determine the role of this variant in disease. Therefore, it has been classified as a Variant of Uncertain Significance.

NM_006939.4(SOS2):c.3124A>C (p.Thr1042Pro)

Gene: SOS2 (SOS Ras/Rho guanine nucleotide exchange factor 2; minus strand). Cytogenetic location: 14q21.3.
Variant type: single nucleotide variant.
Coding change: c.3124A>C on transcript NM_006939.4 (MANE Select); coding-DNA position 3124, A replaced by C.
Protein change: p.Thr1042Pro; replaces threonine 1042 with proline.
Molecular consequence: missense variant.
Genome position (GRCh38, 1-based): chr14:50,130,714, T>G on the plus strand (A>C on the coding strand, the complement: SOS2 is on the minus strand). VCF-style: chr14-50130714-T-G. GRCh37 (hg19) VCF-style: chr14-50597432-T-G.
Other names: c.3025A>C, p.Thr1009Pro (NM_001411020.1); short protein forms T1042P, T1009P.
Identifiers: ClinVar variation 3697297 (VCV003697297.2).